The following is an entry in ClinVar:

ClinVar aggregate classification (germline): Benign/Likely benign. Review status: criteria provided, multiple submitters, no conflicts (2 of 4 stars). 3 submissions from 3 submitters: Benign (1); Likely benign (2). Last evaluated 2025-06-18.

Conditions:
Hypouricemia, renal, 2. Also called: HYPOURICEMIA, RENAL, 2, AUTOSOMAL DOMINANT; HYPOURICEMIA, RENAL, 2, AUTOSOMAL RECESSIVE. Identifiers: MedGen C2677549, MONDO:0012793, OMIM 612076.
SLC2A9-related disorder. Also called: SLC2A9-related condition.

Allele frequency attached by ClinVar (database versions not stated): gnomAD exomes 0.00013; gnomAD 0.00015 and 0.00016; ESP Exome Variant Server 0.00017; ExAC 0.00011; TOPMed 0.00011.
gnomAD v4.1: 231 of 1,550,804 alleles (0.015%); highest among the groups gnomAD compares: Non-Finnish European, 0.018%; no homozygotes.

Submissions (3):

PreventionGenetics, part of Exact Sciences
Classification: Likely benign for SLC2A9-related condition. Last evaluated: 2025-06-18. Review status: criteria provided, single submitter. Criteria: ACMG Guidelines, 2015. Collection method: clinical testing. Allele origin: germline.
Comment: This variant is classified as likely benign based on ACMG/AMP sequence variant interpretation guidelines (Richards et al. 2015 PMID: 25741868, with internal and published modifications).

Labcorp Genetics (formerly Invitae), Labcorp
Classification: Likely benign. Last evaluated: 2025-04-17. Review status: criteria provided, single submitter. Criteria: Invitae Variant Classification Sherloc (09022015). Collection method: clinical testing. Allele origin: germline.

Illumina Laboratory Services, Illumina
Classification: Benign for Hypouricemia, renal, 2. Last evaluated: 2018-01-12. Review status: criteria provided, single submitter. Criteria: ICSL Variant Classification Criteria 13 December 2019. Collection method: clinical testing. Allele origin: germline.
Comment: This variant was observed in the ICSL laboratory as part of a predisposition screen in an ostensibly healthy population. It had not been previously curated by ICSL or reported in the Human Gene Mutation Database (HGMD: prior to June 1st, 2018), and was therefore a candidate for classification through an automated scoring system. Utilizing variant allele frequency, disease prevalence and penetrance estimates, and inheritance mode, an automated score was calculated to assess if this variant is too frequent to cause the disease. Based on the score and internal cut-off values, a variant classified as benign is not then subjected to further curation. The score for this variant resulted in a classification of benign for this disease.

NM_020041.3(SLC2A9):c.198C>G (p.Gly66=)

Genes: SLC2A9 (solute carrier family 2 member 9; minus strand), SLC2A9-AS3 (SLC2A9 antisense RNA 3; plus strand). Cytogenetic location: 4p16.1.
Variant type: single nucleotide variant.
Coding change: c.198C>G on transcript NM_020041.3 (MANE Select); coding-DNA position 198, C replaced by G.
Protein change: p.Gly66=; no amino-acid change (glycine 66 retained).
Molecular consequence: synonymous variant.
Genome position (GRCh38, 1-based): chr4:10,019,026, G>C on the plus strand (C>G on the coding strand, the complement: SLC2A9 is on the minus strand). VCF-style: chr4-10019026-G-C. GRCh37 (hg19) VCF-style: chr4-10020650-G-C.
Other names: c.111C>G, p.Gly37= (NM_001001290.2).
Identifiers: ClinVar variation 347004 (VCV000347004.10), dbSNP rs374679729, ClinGen allele CA2857322.